The following is an entry in ClinVar:

NM_017739.4(POMGNT1):c.743C>G (p.Ser248Ter)

Genes: POMGNT1 (protein O-linked mannose N-acetylglucosaminyltransferase 1 (beta 1,2-); minus strand), TSPAN1 (tetraspanin 1; plus strand). Cytogenetic location: 1p34.1.
Variant type: single nucleotide variant.
Coding change: c.743C>G on transcript NM_017739.4 (MANE Select); coding-DNA position 743, C replaced by G.
Protein change: p.Ser248Ter; replaces serine 248 with a stop codon.
Molecular consequence: nonsense.
Genome position (GRCh38, 1-based): chr1:46,194,561, G>C on the plus strand (C>G on the coding strand, the complement: POMGNT1 is on the minus strand). VCF-style: chr1-46194561-G-C. GRCh37 (hg19) VCF-style: chr1-46660233-G-C.
Other names: c.743C>G, p.Ser248Ter (NM_001243766.2, NM_001410783.1); c.677C>G, p.Ser226Ter (NM_001290129.3); c.314C>G, p.Ser105Ter (NM_001290130.2); short protein forms S105*, S226*, S248*.
Identifiers: ClinVar variation 4060464 (VCV004060464.2).

ClinVar aggregate classification (germline): Likely pathogenic (1 of 4 stars; one submission).

Conditions:
Muscle eye brain disease (MEB). Also called: Santavuori congenital muscular dystrophy. Identifiers: Orphanet 588, Orphanet 899, MedGen C0457133, MONDO:0018939.

Submission:

Natera, Inc.
Classification: Likely pathogenic for Muscle-eye-brain disease. Last evaluated: 2025-03-22. Review status: criteria provided, single submitter. Criteria: Natera Variant Classification Schema (03/2026). Collection method: clinical testing. Allele origin: germline.
Comment: The c.743C>G variant in POMGNT1 is a nonsense variant predicted to introduce a stop codon at amino acid 248. This variant is expected to result in nonsense mediated decay, truncation, or a dysfunctional protein product. This variant is rare in the general population with a frequency below the threshold expected for the associated phenotype(s). Given the available evidence, this variant is classified as Likely Pathogenic.